The following is an entry in ClinVar:

ClinVar aggregate classification (germline): Benign (0 of 4 stars; one submission).

Conditions:
VWA3B-related disorder. Also called: VWA3B-related condition.

Allele frequency attached by ClinVar (database versions not stated): 1000 Genomes Project 30x 0.01765; 1000 Genomes Project 0.01877; TOPMed 0.03681; gnomAD 0.03962; ESP Exome Variant Server 0.04551; ExAC 0.05396; gnomAD exomes 0.05935.
gnomAD v4.1: 91,761 of 1,604,840 alleles (5.7%); highest among the groups gnomAD compares: Non-Finnish European, 6.8%; 3,184 homozygotes.

Submission:

PreventionGenetics, part of Exact Sciences
Classification: Benign for VWA3B-related condition. Last evaluated: 2019-07-08. Review status: no assertion criteria provided. Collection method: clinical testing. Allele origin: germline.
Comment: This variant is classified as benign based on ACMG/AMP sequence variant interpretation guidelines (Richards et al. 2015 PMID: 25741868, with internal and published modifications).

NM_144992.5(VWA3B):c.3669C>G (p.Asp1223Glu)

Gene: VWA3B (von Willebrand factor A domain containing 3B; plus strand). Cytogenetic location: 2q11.2.
Variant type: single nucleotide variant.
Coding change: c.3669C>G on transcript NM_144992.5 (MANE Select); coding-DNA position 3669, C replaced by G.
Protein change: p.Asp1223Glu; replaces aspartic acid 1223 with glutamic acid.
Molecular consequence: missense variant. On other transcripts: non-coding transcript variant (1).
Genome position (GRCh38, 1-based): chr2:98,311,966, C>G. VCF-style: chr2-98311966-C-G. GRCh37 (hg19) VCF-style: chr2-98928429-C-G.
Other names: c.2640C>G, p.Asp880Glu (NM_001345864.2); short protein forms D1223E, D880E.
Identifiers: ClinVar variation 3055840 (VCV003055840.2), dbSNP rs17428626, ClinGen allele CA1793383.